The following is an entry in ClinVar:

NM_002230.4(JUP):c.55A>G (p.Thr19Ala)

Gene: JUP (junction plakoglobin; minus strand). Cytogenetic location: 17q21.2.
Variant type: single nucleotide variant.
Coding change: c.55A>G on transcript NM_002230.4 (MANE Select); coding-DNA position 55, A replaced by G.
Protein change: p.Thr19Ala; replaces threonine 19 with alanine.
Molecular consequence: missense variant.
Genome position (GRCh38, 1-based): chr17:41,771,800, T>C on the plus strand (A>G on the coding strand, the complement: JUP is on the minus strand). VCF-style: chr17-41771800-T-C. GRCh37 (hg19) VCF-style: chr17-39928052-T-C.
Other names: c.55A>G, p.Thr19Ala (NM_001352773.2, NM_001352774.2, NM_001352775.2 and 3 more transcripts); short protein forms T19A.
Identifiers: ClinVar variation 2663176 (VCV002663176.4), dbSNP rs1555607105, ClinGen allele CA399507179.

ClinVar aggregate classification (germline): Uncertain significance. Review status: criteria provided, multiple submitters, no conflicts (2 of 4 stars). 2 submissions from 2 submitters: Uncertain significance (2). Last evaluated 2023-09-20.

Conditions:
Naxos disease (NXD). Also called: PALMOPLANTAR KERATODERMA WITH ARRHYTHMOGENIC RIGHT VENTRICULAR CARDIOMYOPATHY AND WOOLLY HAIR; WOOLLY HAIR, PALMOPLANTAR KERATODERMA, AND CARDIAC ABNORMALITIES; CARDIOMYOPATHY, ARRHYTHMOGENIC RIGHT VENTRICULAR, WITH SKIN, HAIR, AND NAIL ABNORMALITIES; KERATOSIS PALMOPLANTARIS WITH ARRHYTHMOGENIC CARDIOMYOPATHY; MAL DE NAXOS. Identifiers: Orphanet 34217, MedGen C1832600, MONDO:0011017, OMIM 601214.
Arrhythmogenic right ventricular dysplasia 12. Also called: ARRHYTHMOGENIC RIGHT VENTRICULAR DYSPLASIA, FAMILIAL, 12. Identifiers: MedGen C1969081, MONDO:0012684, OMIM 611528.

Allele frequency attached by ClinVar (database versions not stated): gnomAD exomes below 0.00001.
gnomAD v4.1: 3 of 1,613,684 alleles (0.00019%); highest among the groups gnomAD compares: Non-Finnish European, 0.00025%; no homozygotes.

Submissions (2):

Labcorp Genetics (formerly Invitae), Labcorp
Classification: Uncertain significance for Arrhythmogenic right ventricular dysplasia 12; Naxos disease. Last evaluated: 2023-09-20. Review status: criteria provided, single submitter. Criteria: Invitae Variant Classification Sherloc (09022015). Collection method: clinical testing. Allele origin: germline.
Comment: This sequence change replaces threonine, which is neutral and polar, with alanine, which is neutral and non-polar, at codon 19 of the JUP protein (p.Thr19Ala). This variant is present in population databases (no rsID available, gnomAD 0.0009%). This variant has not been reported in the literature in individuals affected with JUP-related conditions. An algorithm developed to predict the effect of missense changes on protein structure and function (PolyPhen-2) suggests that this variant is likely to be tolerated. In summary, the available evidence is currently insufficient to determine the role of this variant in disease. Therefore, it has been classified as a Variant of Uncertain Significance.

GeneDx
Classification: Uncertain significance. Last evaluated: 2023-04-10. Review status: criteria provided, single submitter. Criteria: GeneDx Variant Classification Process June 2021. Collection method: clinical testing. Allele origin: germline. Affected: yes.
Comment: Has not been previously published as pathogenic or benign to our knowledge; Not observed at significant frequency in large population cohorts (gnomAD); In silico analysis supports that this missense variant does not alter protein structure/function